The following is an entry in ClinVar:

NM_006231.4(POLE):c.1717C>T (p.Arg573Trp)

Gene: POLE (DNA polymerase epsilon, catalytic subunit; minus strand). Cytogenetic location: 12q24.33.
Variant type: single nucleotide variant.
Coding change: c.1717C>T on transcript NM_006231.4 (MANE Select); coding-DNA position 1717, C replaced by T.
Protein change: p.Arg573Trp; replaces arginine 573 with tryptophan.
Molecular consequence: missense variant.
Genome position (GRCh38, 1-based): chr12:132,672,292, G>A on the plus strand (C>T on the coding strand, the complement: POLE is on the minus strand). VCF-style: chr12-132672292-G-A. GRCh37 (hg19) VCF-style: chr12-133248878-G-A.
Other names: short protein forms R573W.
Identifiers: ClinVar variation 240403 (VCV000240403.19), dbSNP rs373000452, ClinGen allele CA6893849.

ClinVar aggregate classification (germline): Uncertain significance. Review status: criteria provided, multiple submitters, no conflicts (2 of 4 stars). 8 submissions from 7 submitters: Uncertain significance (7). 1 of the submissions does not count toward it. Last evaluated 2026-01-31.

Conditions:
POLE-related disorder. Also called: POLE-related disorders; POLE-related condition.
Hereditary cancer-predisposing syndrome. Also called: Tumor predisposition; Neoplastic Syndromes, Hereditary; Hereditary Cancer Syndrome; Hereditary neoplastic syndrome. Identifiers: Orphanet 140162, MedGen C0027672, MeSH D009386, MONDO:0015356.
Colorectal cancer, susceptibility to, 12 (CRCS12). Also called: COLORECTAL CANCER, SUSCEPTIBILITY TO, ON CHROMOSOME 12q24. Identifiers: Orphanet 220460, MedGen C3554460, MONDO:0014038, OMIM 615083.
XFE progeroid syndrome (XFEPS). Also called: XPF-ERCC1 PROGEROID SYNDROME. Identifiers: MedGen C1970416, MONDO:0012590, OMIM 610965.
Familial colorectal cancer. Identifiers: MedGen CN280943, MONDO:0023113. Disease mechanism: loss of function.

Allele frequency attached by ClinVar (database versions not stated): ExAC 0.00002; gnomAD 0.00002; gnomAD exomes 0.00002; TOPMed 0.00003; ESP Exome Variant Server 0.00008.

Submissions (8):

Labcorp Genetics (formerly Invitae), Labcorp
Classification: Uncertain significance. Last evaluated: 2026-01-31. Review status: criteria provided, single submitter. Criteria: Invitae Variant Classification Sherloc (09022015). Collection method: clinical testing. Allele origin: germline.
Comment: This sequence change replaces arginine, which is basic and polar, with tryptophan, which is neutral and slightly polar, at codon 573 of the POLE protein (p.Arg573Trp). This variant is present in population databases (rs373000452, gnomAD 0.007%). This variant has not been reported in the literature in individuals affected with POLE-related conditions. ClinVar contains an entry for this variant (Variation ID: 240403). Invitae Evidence Modeling of protein sequence and biophysical properties (such as structural, functional, and spatial information, amino acid conservation, physicochemical variation, residue mobility, and thermodynamic stability) indicates that this missense variant is not expected to disrupt POLE protein function with a negative predictive value of 80%. In summary, the available evidence is currently insufficient to determine the role of this variant in disease. Therefore, it has been classified as a Variant of Uncertain Significance.

Genomic Medicine Center of Excellence, King Faisal Specialist Hospital and Research Centre
Classification: Uncertain significance for Colorectal cancer, susceptibility to, 12. Last evaluated: 2025-09-10. Review status: criteria provided, single submitter. Criteria: ACMG Guidelines, 2015. Collection method: clinical testing. Allele origin: germline.

Center for Genomic Medicine, Rigshospitalet, Copenhagen University Hospital
Classification: Uncertain significance. Last evaluated: 2025-03-04. Review status: criteria provided, single submitter. Criteria: ACMG Guidelines, 2015. Collection method: clinical testing. Allele origin: germline.

Genomic Medicine Center of Excellence, King Faisal Specialist Hospital and Research Centre
Classification: Uncertain significance for XFE progeroid syndrome. Last evaluated: 2024-12-17. Review status: criteria provided, single submitter. Criteria: ACMG Guidelines, 2015. Collection method: clinical testing. Allele origin: germline.

Ambry Genetics
Classification: Uncertain significance for Hereditary cancer-predisposing syndrome. Last evaluated: 2024-12-09. Review status: criteria provided, single submitter. Criteria: Ambry Variant Classification Scheme 2023. Collection method: clinical testing. Allele origin: germline.
Comment: The p.R573W variant (also known as c.1717C>T), located in coding exon 16 of the POLE gene, results from a C to T substitution at nucleotide position 1717. The arginine at codon 573 is replaced by tryptophan, an amino acid with dissimilar properties. This amino acid position is well conserved in available vertebrate species. In addition, the in silico prediction for this alteration is inconclusive. Based on the available evidence, the clinical significance of this variant remains unclear.

GeneDx
Classification: Uncertain significance. Last evaluated: 2022-08-24. Review status: criteria provided, single submitter. Criteria: GeneDx Variant Classification Process June 2021. Collection method: clinical testing. Allele origin: germline. Affected: yes.
Comment: Not observed at significant frequency in large population cohorts (gnomAD); In silico analysis, which includes protein predictors and evolutionary conservation, supports a deleterious effect; Has not been previously published as pathogenic or benign to our knowledge

Mendelics
Classification: Uncertain significance for Familial colorectal cancer. Last evaluated: 2018-07-02. Review status: criteria provided, single submitter. Criteria: Mendelics Assertion Criteria 2017. Collection method: clinical testing. Allele origin: unknown.

PreventionGenetics, part of Exact Sciences
Classification: Uncertain significance for POLE-related condition. Last evaluated: 2024-02-17. Review status: no assertion criteria provided. Collection method: clinical testing. Allele origin: germline. Not counted in ClinVar's aggregate classification.
Comment: The POLE c.1717C>T variant is predicted to result in the amino acid substitution p.Arg573Trp. To our knowledge, this variant has not been reported in the literature. This variant is reported in 0.0062% of alleles in individuals of African descent in gnomAD and is interpreted as uncertain in ClinVar. At this time, the clinical significance of this variant is uncertain due to the absence of conclusive functional and genetic evidence.